The following is an entry in ClinVar:

ClinVar aggregate classification (germline): Likely benign (1 of 4 stars; one submission).

Allele frequency attached by ClinVar (database versions not stated): TOPMed 0.00003; ExAC 0.00005; gnomAD 0.00005; gnomAD exomes 0.00007.
gnomAD v4.1: 103 of 1,613,040 alleles (0.0064%); highest among the groups gnomAD compares: Admixed American, 0.0083%; no homozygotes.

Submission:

CeGaT Center for Human Genetics Tuebingen
Classification: Likely benign. Last evaluated: 2023-08-01. Review status: criteria provided, single submitter. Criteria: CeGaT Center For Human Genetics Tuebingen Variant Classification Criteria Version 2. Collection method: clinical testing. Allele origin: germline. Affected: yes. Observed: 1 variant allele.
Comment: SLC6A2: BP4

NM_001172501.3(SLC6A2):c.1228G>A (p.Val410Ile)

Gene: SLC6A2 (solute carrier family 6 member 2; plus strand). Cytogenetic location: 16q12.2.
Variant type: single nucleotide variant.
Coding change: c.1228G>A on transcript NM_001172501.3 (MANE Select); coding-DNA position 1228, G replaced by A.
Protein change: p.Val410Ile; replaces valine 410 with isoleucine.
Molecular consequence: missense variant.
Genome position (GRCh38, 1-based): chr16:55,696,305, G>A. VCF-style: chr16-55696305-G-A. GRCh37 (hg19) VCF-style: chr16-55730217-G-A.
Other names: c.1228G>A, p.Val410Ile (NM_001043.3, NM_001172504.1); c.913G>A, p.Val305Ile (NM_001172502.1); short protein forms V305I, V410I.
Identifiers: ClinVar variation 2646539 (VCV002646539.24), dbSNP rs779214226, ClinGen allele CA8061696.
Genomic context (GRCh38, chr16:55,696,305, plus strand): 5'-CTGTATCCAGAGGCCATTTCTACCCTGTCTGGATCTACATTCTGGGCTGTTGTGTTTTTC[G>A]TCATGCTCCTGGCGCTGGGCCTTGACAGCTCAGTGAGTGACCCTGCTTAGGATACCTATC-3'
Protein context (NP_001165972.1, residues 400-420): GSTFWAVVFF[Val410Ile]MLLALGLDSS